The following is an entry in ClinVar:

ClinVar aggregate classification (germline): Uncertain significance (1 of 4 stars; one submission).

Submission:

Labcorp Genetics (formerly Invitae), Labcorp
Classification: Uncertain significance. Last evaluated: 2021-09-18. Review status: criteria provided, single submitter. Criteria: Invitae Variant Classification Sherloc (09022015). Collection method: clinical testing. Allele origin: germline.
Comment: This variant is not present in population databases (ExAC no frequency). This sequence change replaces histidine with arginine at codon 290 of the CTR9 protein (p.His290Arg). The histidine residue is moderately conserved and there is a small physicochemical difference between histidine and arginine. Algorithms developed to predict the effect of missense changes on protein structure and function (SIFT, PolyPhen-2, Align-GVGD) all suggest that this variant is likely to be tolerated. This variant has not been reported in the literature in individuals affected with CTR9-related conditions. In summary, the available evidence is currently insufficient to determine the role of this variant in disease. Therefore, it has been classified as a Variant of Uncertain Significance.

NM_014633.5(CTR9):c.869A>G (p.His290Arg)

Gene: CTR9 (CTR9 component of Paf1/RNA polymerase II complex; plus strand). Cytogenetic location: 11p15.4.
Variant type: single nucleotide variant.
Coding change: c.869A>G on transcript NM_014633.5 (MANE Select); coding-DNA position 869, A replaced by G.
Protein change: p.His290Arg; replaces histidine 290 with arginine.
Molecular consequence: missense variant.
Genome position (GRCh38, 1-based): chr11:10,763,450, A>G. VCF-style: chr11-10763450-A-G. GRCh37 (hg19) VCF-style: chr11-10784997-A-G.
Other names: c.869A>G, p.His290Arg (NM_001346279.2); short protein forms H290R.
Identifiers: ClinVar variation 1469018 (VCV001469018.6), dbSNP rs2135367906, ClinGen allele CA379663939.
Genomic context (GRCh38, chr11:10,763,450, plus strand): 5'-TCTTATGAATTCACTCAGTTGACTTTCTGATCTTTGTTCAGGATTATAGTAAAGTCCAGC[A>G]TCTGGCCCTCCATGCATTCCATAATACAGAAGTGGAAGCTATGCAAGCAGAGAGCTGCTA-3'
Protein context (NP_055448.1, residues 280-300): FFKKDYSKVQ[His290Arg]LALHAFHNTE